The following is an entry in ClinVar:

ClinVar aggregate classification (germline): Uncertain significance (1 of 4 stars; one submission).

Submission:

Labcorp Genetics (formerly Invitae), Labcorp
Classification: Uncertain significance. Last evaluated: 2024-06-17. Review status: criteria provided, single submitter. Criteria: Invitae Variant Classification Sherloc (09022015). Collection method: clinical testing. Allele origin: germline.
Comment: This sequence change falls in intron 15 of the DHX37 gene. It does not directly change the encoded amino acid sequence of the DHX37 protein. Information on the frequency of this variant in the gnomAD database is not available, as this variant may be reported differently in the database. This variant has not been reported in the literature in individuals affected with DHX37-related conditions. ClinVar contains an entry for this variant (Variation ID: 1925671). Experimental studies and prediction algorithms are not available or were not evaluated, and the effect of this variant on mRNA splicing is currently unknown. In summary, the available evidence is currently insufficient to determine the role of this variant in disease. Therefore, it has been classified as a Variant of Uncertain Significance.

NM_032656.4(DHX37):c.2046-7_2046-6inv

Gene: DHX37 (DEAH-box helicase 37; minus strand). Cytogenetic location: 12q24.31.
Variant type: Inversion.
Coding change: c.2046-7_2046-6inv on transcript NM_032656.4 (MANE Select).
Molecular consequence: intron variant.
Genome position: GRCh38 VCF-style: chr12-124960429-TG-CA. GRCh37 (hg19) VCF-style: chr12-125444975-TG-CA.
Identifiers: ClinVar variation 1925671 (VCV001925671.5), ClinGen allele CA2580086000.
Genomic context (GRCh38, chr12:124,960,429, plus strand): 5'-GATTTCTGGAGGAGGAAACTGCTCGAAGTCACCAAAAACCGCAGATGAATACAGCCTGGA[TG>CA]GAGAGAAACCGGGACAACAAACACAAAACTCACACCAAAAACCACAGATGAATACAGCCT-3'